The following is an entry in ClinVar:

NM_018100.4(EFHC1):c.1699C>T (p.Gln567Ter)

Gene: EFHC1 (EF-hand domain containing 1; plus strand). Cytogenetic location: 6p12.2.
Variant type: single nucleotide variant.
Coding change: c.1699C>T on transcript NM_018100.4 (MANE Select); coding-DNA position 1699, C replaced by T.
Protein change: p.Gln567Ter; replaces glutamine 567 with a stop codon.
Molecular consequence: nonsense. On other transcripts: non-coding transcript variant (1).
Genome position (GRCh38, 1-based): chr6:52,490,198, C>T. VCF-style: chr6-52490198-C-T. GRCh37 (hg19) VCF-style: chr6-52354996-C-T.
Other names: c.1642C>T, p.Gln548Ter (NM_001172420.2); short protein forms Q548*, Q567*.
Identifiers: ClinVar variation 1045296 (VCV001045296.3), dbSNP rs1765867667, ClinGen allele CA364458669.
Genomic context (GRCh38, chr6:52,490,198, plus strand): 5'-AGCAAGCAAACTGAAAAGGATCCAGGCGTGCAGGAATTGGAAGCATTAATAGACACAATT[C>T]AGAAGCAACTGAAAGATCACTCATGCAAAGACAACATTCGTGAGGCATTTCAAATTTATG-3'

ClinVar aggregate classification (germline): Uncertain significance (1 of 4 stars; one submission).

Conditions:
Typical absence seizure. Identifiers: MedGen C5551411, HP:0011147.
Myoclonic epilepsy, juvenile, susceptibility to, 1. Also called: Myoclonic Epilepsy, Juvenile, 1; EJM1. Identifiers: MedGen C1850778, MONDO:0020752, OMIM 254770.

Submission:

Labcorp Genetics (formerly Invitae), Labcorp
Classification: Uncertain significance for Myoclonic epilepsy, juvenile, susceptibility to, 1; Absence seizure. Last evaluated: 2020-04-19. Review status: criteria provided, single submitter. Criteria: Invitae Variant Classification Sherloc (09022015). Collection method: clinical testing. Allele origin: germline.
Comment: This sequence change creates a premature translational stop signal (p.Gln567*) in the EFHC1 gene. It is expected to result in an absent or disrupted protein product. This variant is not present in population databases (ExAC no frequency). This variant has not been reported in the literature in individuals with EFHC1-related conditions. The current clinical and genetic evidence is not sufficient to establish whether loss-of-function variants in EFHC1 cause disease. In summary, the available evidence is currently insufficient to determine the role of this variant in disease. Therefore, it has been classified as a Variant of Uncertain Significance.